The following is an entry in ClinVar:

NM_015001.3(SPEN):c.5013_5017del (p.Glu1671fs)

Gene: SPEN (spen family transcriptional repressor; plus strand). Cytogenetic location: 1p36.13.
Variant type: Microsatellite.
Coding change: c.5013_5017del on transcript NM_015001.3 (MANE Select); coding-DNA positions 5013 to 5017, 5 bases deleted (GAAGA; older notation c.5013_5017delGAAGA).
Protein change: p.Glu1671fs; shifts the reading frame from glutamic acid 1671.
Molecular consequence: frameshift variant.
Genome position (GRCh38, 1-based): chr1:15,931,253-15,931,257, GAAGA deleted; deleting any 5 consecutive bases within chr1:15,931,247-15,931,257 gives the same sequence; the c. name uses the placement nearest the transcript's 3' end. VCF-style (leftmost placement, unchanged base first): chr1-15931246-CAGAAG-C. GRCh37 (hg19) VCF-style: chr1-16257741-CAGAAG-C.
Other names: short protein forms E1671fs.
Identifiers: ClinVar variation 992607 (VCV000992607.3), dbSNP rs746738922, ClinGen allele CA619655.
Genomic context (GRCh38, chr1:15,931,246, plus strand): 5'-CAGCCCCATCAGCACTAGAGAAGACCACTGGTGACAAAACGGTAGAGGCGCCTTTGGTAA[CAGAAG>C]AGAAGACTGTGGAGCCAGCTACCGTCTCAGAAGAAGCAAAGCCTGCATCTGAACCTGCTC-3'

ClinVar aggregate classification (germline): Pathogenic. Review status: criteria provided, single submitter (1 of 4 stars). 2 submissions from 2 submitters: Pathogenic (1). 1 of the submissions does not count toward it. Last evaluated 2020-12-03.

Conditions:
Radio-Tartaglia syndrome. Identifiers: Orphanet 662234, MedGen C5543339, MONDO:0859143, OMIM 619312.

Submissions (2):

Tartaglia Lab, Genetics and Rare Diseases Research Division, Bambino Gesu' Children's Hospital
Classification: Pathogenic. Last evaluated: 2020-12-03. Review status: criteria provided, single submitter. Criteria: ACMG Guidelines, 2015. Collection method: research. Allele origin: de novo. Affected: yes. Observed: 1 variant allele.

Solve-RD Consortium
Classification: Likely pathogenic for Radio-Tartaglia syndrome. Last evaluated: 2022-06-01. Review status: no assertion criteria provided. Collection method: provider interpretation. Allele origin: de novo. Affected: yes. Not counted in ClinVar's aggregate classification.
Comment: Variant confirmed as disease-causing by referring clinical team

Variant identified during reanalysis of unsolved cases by the Solve-RD project. The Solve-RD project has received funding from the European Union’s Horizon 2020 research and innovation programme under grant agreement No 779257.

Literature cited by the submitters: PubMed 39825153 (cited by Solve-RD Consortium).